The following is an entry in ClinVar:

NM_002693.3(POLG):c.142C>G (p.Gln48Glu)

Genes: POLG (DNA polymerase gamma, catalytic subunit; minus strand), POLGARF (POLG alternative reading frame; minus strand). Cytogenetic location: 15q26.1.
Variant type: single nucleotide variant.
Coding change: c.142C>G on transcript NM_002693.3 (MANE Select); coding-DNA position 142, C replaced by G.
Protein change: p.Gln48Glu; replaces glutamine 48 with glutamic acid.
Molecular consequence: missense variant.
Genome position (GRCh38, 1-based): chr15:89,333,613, G>C on the plus strand (C>G on the coding strand, the complement: POLG is on the minus strand). VCF-style: chr15-89333613-G-C. GRCh37 (hg19) VCF-style: chr15-89876844-G-C.
Other names: c.142C>G, p.Gln48Glu (NM_001126131.2); short protein forms Q48E.
Identifiers: ClinVar variation 2875310 (VCV002875310.3), dbSNP rs1299097778, ClinGen allele CA393774341.

ClinVar aggregate classification (germline): Uncertain significance (1 of 4 stars; one submission).

Conditions:
Progressive sclerosing poliodystrophy (MTDPS4A). Also called: Mitochondrial DNA depletion syndrome 4A (Alpers type); ALPERS PROGRESSIVE INFANTILE POLIODYSTROPHY; NEURONAL DEGENERATION OF CHILDHOOD WITH LIVER DISEASE, PROGRESSIVE; Alpers Syndrome; ALPERS DIFFUSE DEGENERATION OF CEREBRAL GRAY MATTER WITH HEPATIC CIRRHOSIS; Alpers-Huttenlocher Syndrome. Identifiers: Orphanet 726, MedGen C0205710, MONDO:0008758, OMIM 203700.

Allele frequency attached by ClinVar (database versions not stated): gnomAD exomes 0.00001.
gnomAD v4.1: 3 of 1,600,192 alleles (0.00019%); highest among the groups gnomAD compares: East Asian, 0.0067%; no homozygotes.

Submission:

Labcorp Genetics (formerly Invitae), Labcorp
Classification: Uncertain significance for Progressive sclerosing poliodystrophy. Last evaluated: 2023-12-19. Review status: criteria provided, single submitter. Criteria: Invitae Variant Classification Sherloc (09022015). Collection method: clinical testing. Allele origin: germline.
Comment: This sequence change replaces glutamine, which is neutral and polar, with glutamic acid, which is acidic and polar, at codon 48 of the POLG protein (p.Gln48Glu). The frequency data for this variant in the population databases is considered unreliable, as metrics indicate poor data quality at this position in the gnomAD database. This variant has not been reported in the literature in individuals affected with POLG-related conditions. Advanced modeling of protein sequence and biophysical properties (such as structural, functional, and spatial information, amino acid conservation, physicochemical variation, residue mobility, and thermodynamic stability) performed at Invitae indicates that this missense variant is not expected to disrupt POLG protein function with a negative predictive value of 95%. In summary, the available evidence is currently insufficient to determine the role of this variant in disease. Therefore, it has been classified as a Variant of Uncertain Significance.